The following is an entry in ClinVar:

NM_000138.5(FBN1):c.1589-12C>G

Gene: FBN1 (fibrillin 1; minus strand). Cytogenetic location: 15q21.1.
Variant type: single nucleotide variant.
Coding change: c.1589-12C>G on transcript NM_000138.5 (MANE Select); 12 bases into the intron before coding-DNA position 1589, C replaced by G.
Molecular consequence: intron variant.
Genome position (GRCh38, 1-based): chr15:48,510,181, G>C on the plus strand (C>G on the coding strand, the complement: FBN1 is on the minus strand). VCF-style: chr15-48510181-G-C. GRCh37 (hg19) VCF-style: chr15-48802378-G-C.
Identifiers: ClinVar variation 2091396 (VCV002091396.5), dbSNP rs746652337, ClinGen allele CA2580089653.
Genomic context (GRCh38, chr15:48,510,181, plus strand): 5'-CAGCGTCCATTATTGCAGATCCGGCCATTCTGTAAACACTCATCAATGTCTAAAATCAAA[G>C]TTTAAAAAGAAGAAATAGCTTTATTTAGGGGAGTTAAAATTATTTTATTTCCCCCTCCCT-3'

ClinVar aggregate classification (germline): Uncertain significance. Review status: criteria provided, multiple submitters, no conflicts (2 of 4 stars). 2 submissions from 2 submitters: Uncertain significance (2). Last evaluated 2024-06-28.

Conditions:
Familial thoracic aortic aneurysm and aortic dissection (TAAD). Also called: Thoracic aortic aneurysms and dissections. Identifiers: Orphanet 91387, MedGen C4707243, MONDO:0019625.
Marfan syndrome (MFS). Also called: MARFAN SYNDROME, TYPE I; Marfan syndrome type 1; Marfan's syndrome; Marfan syndrome, classic; FBN1-Related Marfan Syndrome. Identifiers: Orphanet 284963, Orphanet 558, MedGen C0024796, MONDO:0007947, OMIM 154700.

Submissions (2):

GeneDx
Classification: Uncertain significance. Last evaluated: 2024-06-28. Review status: criteria provided, single submitter. Criteria: GeneDx Variant Classification Process June 2021. Collection method: clinical testing. Allele origin: germline. Affected: yes.
Comment: Has not been previously published as pathogenic or benign to our knowledge; Not observed at significant frequency in large population cohorts (gnomAD); In silico analysis supports a deleterious effect on splicing

Labcorp Genetics (formerly Invitae), Labcorp
Classification: Uncertain significance for Marfan syndrome; Familial thoracic aortic aneurysm and aortic dissection. Last evaluated: 2022-02-28. Review status: criteria provided, single submitter. Criteria: Invitae Variant Classification Sherloc (09022015). Collection method: clinical testing. Allele origin: germline.
Comment: In summary, the available evidence is currently insufficient to determine the role of this variant in disease. Therefore, it has been classified as a Variant of Uncertain Significance. Algorithms developed to predict the effect of sequence changes on RNA splicing suggest that this variant may disrupt the consensus splice site. This variant has been observed in individual(s) with clinical features of Marfan syndrome (Invitae). This variant is not present in population databases (gnomAD no frequency). This sequence change falls in intron 13 of the FBN1 gene. It does not directly change the encoded amino acid sequence of the FBN1 protein.